The following is an entry in ClinVar:

NM_001042424.3(NSD2):c.3557A>G (p.Asn1186Ser)

Gene: NSD2 (nuclear receptor binding SET domain protein 2; plus strand). Cytogenetic location: 4p16.3.
Variant type: single nucleotide variant.
Coding change: c.3557A>G on transcript NM_001042424.3 (MANE Select); coding-DNA position 3557, A replaced by G.
Protein change: p.Asn1186Ser; replaces asparagine 1186 with serine.
Molecular consequence: missense variant.
Genome position (GRCh38, 1-based): chr4:1,975,336, A>G. VCF-style: chr4-1975336-A-G. GRCh37 (hg19) VCF-style: chr4-1977063-A-G.
Other names: c.3557A>G, p.Asn1186Ser (NM_133330.3, NM_133331.3, NM_133335.4); short protein forms N1186S.
Identifiers: ClinVar variation 2507217 (VCV002507217.1), dbSNP rs2474751407, ClinGen allele CA356001489.

ClinVar aggregate classification (germline): Uncertain significance (1 of 4 stars; one submission).

Submission:

GeneDx
Classification: Uncertain significance. Last evaluated: 2023-06-28. Review status: criteria provided, single submitter. Criteria: GeneDx Variant Classification Process June 2021. Collection method: clinical testing. Allele origin: germline. Affected: yes.
Comment: Not observed in large population cohorts (gnomAD); In silico analysis supports that this missense variant has a deleterious effect on protein structure/function; Has not been previously published as pathogenic or benign to our knowledge